The following is an entry in ClinVar:

NM_002439.5(MSH3):c.853A>C (p.Ile285Leu)

Gene: MSH3 (mutS homolog 3; plus strand). Cytogenetic location: 5q14.1.
Variant type: single nucleotide variant.
Coding change: c.853A>C on transcript NM_002439.5 (MANE Select); coding-DNA position 853, A replaced by C.
Protein change: p.Ile285Leu; replaces isoleucine 285 with leucine.
Molecular consequence: missense variant.
Genome position (GRCh38, 1-based): chr5:80,672,304, A>C. VCF-style: chr5-80672304-A-C. GRCh37 (hg19) VCF-style: chr5-79968123-A-C.
Other names: short protein forms I285L.
Identifiers: ClinVar variation 4111089 (VCV004111089.1).

ClinVar aggregate classification (germline): Uncertain significance (1 of 4 stars; one submission).

Conditions:
Hereditary cancer-predisposing syndrome. Also called: Tumor predisposition; Neoplastic Syndromes, Hereditary; Hereditary neoplastic syndrome; Hereditary Cancer Syndrome. Identifiers: Orphanet 140162, MedGen C0027672, MeSH D009386, MONDO:0015356.

gnomAD v4.1: 1 of 1,614,122 alleles (0.000062%); highest among the groups gnomAD compares: Admixed American, 0.0017%; no homozygotes.

Submission:

Ambry Genetics
Classification: Uncertain significance for Hereditary cancer-predisposing syndrome. Last evaluated: 2025-06-28. Review status: criteria provided, single submitter. Criteria: Ambry Variant Classification Scheme 2023. Collection method: clinical testing. Allele origin: germline.
Comment: The p.I285L variant (also known as c.853A>C), located in coding exon 5 of the MSH3 gene, results from an A to C substitution at nucleotide position 853. The isoleucine at codon 285 is replaced by leucine, an amino acid with highly similar properties. This amino acid position is conserved. In addition, this alteration is predicted to be deleterious by in silico analysis. Based on the available evidence, the clinical significance of this variant remains unclear.